The following is an entry in ClinVar:

ClinVar aggregate classification (germline): Uncertain significance. Review status: criteria provided, multiple submitters, no conflicts (2 of 4 stars). 2 submissions from 2 submitters: Uncertain significance (2). Last evaluated 2023-11-17.

Conditions:
Familial acute necrotizing encephalopathy (IIAE3). Also called: ENCEPHALOPATHY, ACUTE, INFECTION-INDUCED, SUSCEPTIBILITY TO, 3; Susceptibility to Acute Necrotizing Encephalopathy 1. Identifiers: Orphanet 88619, MedGen C2675556, MONDO:0011953, OMIM 608033.

Allele frequency attached by ClinVar (database versions not stated): TOPMed 0.00023; 1000 Genomes Project 30x 0.00031; ESP Exome Variant Server 0.00008; gnomAD 0.00013 and 0.00014; 1000 Genomes Project 0.00020.
gnomAD v4.1: 34 of 1,614,000 alleles (0.0021%); highest among the groups gnomAD compares: Admixed American, 0.038%; no homozygotes.

Submissions (2):

Ambry Genetics
Classification: Uncertain significance. Last evaluated: 2023-11-17. Review status: criteria provided, single submitter. Criteria: Ambry Variant Classification Scheme 2023. Collection method: clinical testing. Allele origin: germline.

Labcorp Genetics (formerly Invitae), Labcorp
Classification: Uncertain significance for Familial acute necrotizing encephalopathy. Last evaluated: 2022-04-25. Review status: criteria provided, single submitter. Criteria: Invitae Variant Classification Sherloc (09022015). Collection method: clinical testing. Allele origin: germline.
Comment: In summary, the available evidence is currently insufficient to determine the role of this variant in disease. Therefore, it has been classified as a Variant of Uncertain Significance. Algorithms developed to predict the effect of missense changes on protein structure and function are either unavailable or do not agree on the potential impact of this missense change (SIFT: "Deleterious"; PolyPhen-2: "Benign"; Align-GVGD: "Class C15"). ClinVar contains an entry for this variant (Variation ID: 947477). This variant has not been reported in the literature in individuals affected with RANBP2-related conditions. This sequence change replaces proline, which is neutral and non-polar, with leucine, which is neutral and non-polar, at codon 1467 of the RANBP2 protein (p.Pro1467Leu). This variant is present in population databases (rs146136785, gnomAD 0.006%).

NM_006267.5(RANBP2):c.4400C>T (p.Pro1467Leu)

Gene: RANBP2 (RAN binding protein 2; plus strand). Cytogenetic location: 2q13.
Variant type: single nucleotide variant.
Coding change: c.4400C>T on transcript NM_006267.5 (MANE Select); coding-DNA position 4400, C replaced by T.
Protein change: p.Pro1467Leu; replaces proline 1467 with leucine.
Molecular consequence: missense variant.
Genome position (GRCh38, 1-based): chr2:108,764,939, C>T. VCF-style: chr2-108764939-C-T. GRCh37 (hg19) VCF-style: chr2-109381395-C-T.
Other names: short protein forms P1467L.
Identifiers: ClinVar variation 947477 (VCV000947477.10), dbSNP rs146136785, ClinGen allele CA1823104.
Genomic context (GRCh38, chr2:108,764,939, plus strand): 5'-GTGGATCTTCATTTGTTCATCAAGCTTCATTTAAATTTGGCCAGGGAGATCTTCCTAAAC[C>T]TATTAACAGTGATTTCAGATCTGTTTTTTCTACAAAGGAAGGACAGTGGGATTGCAGTGC-3'
Protein context (NP_006258.3, residues 1457-1477): FKFGQGDLPK[Pro1467Leu]INSDFRSVFS